The following is an entry in ClinVar:

NM_018137.3(PRMT6):c.942G>A (p.Pro314=)

Gene: PRMT6 (protein arginine methyltransferase 6; plus strand). Cytogenetic location: 1p13.3.
Variant type: single nucleotide variant.
Coding change: c.942G>A on transcript NM_018137.3 (MANE Select); coding-DNA position 942, G replaced by A.
Protein change: p.Pro314=; no amino-acid change (proline 314 retained).
Molecular consequence: synonymous variant.
Genome position (GRCh38, 1-based): chr1:107,057,657, G>A. VCF-style: chr1-107057657-G-A. GRCh37 (hg19) VCF-style: chr1-107600279-G-A.
Identifiers: ClinVar variation 3041430 (VCV003041430.2), dbSNP rs2232017, ClinGen allele CA977401.

ClinVar aggregate classification (germline): Benign (0 of 4 stars; one submission).

Conditions:
PRMT6-related disorder. Also called: PRMT6-related condition.

Allele frequency attached by ClinVar (database versions not stated): 1000 Genomes Project 30x 0.00515; 1000 Genomes Project 0.00539; gnomAD 0.00637; ESP Exome Variant Server 0.00833.
gnomAD v4.1: 15,447 of 1,614,224 alleles (0.96%); highest among the groups gnomAD compares: South Asian, 1.8%; 118 homozygotes.

Submission:

PreventionGenetics, part of Exact Sciences
Classification: Benign for PRMT6-related condition. Last evaluated: 2019-10-30. Review status: no assertion criteria provided. Collection method: clinical testing. Allele origin: germline.
Comment: This variant is classified as benign based on ACMG/AMP sequence variant interpretation guidelines (Richards et al. 2015 PMID: 25741868, with internal and published modifications).